The following is an entry in ClinVar:

NM_020987.5(ANK3):c.3218A>G (p.Lys1073Arg)

Gene: ANK3 (ankyrin 3; minus strand). Cytogenetic location: 10q21.2.
Variant type: single nucleotide variant.
Coding change: c.3218A>G on transcript NM_020987.5 (MANE Select); coding-DNA position 3218, A replaced by G.
Protein change: p.Lys1073Arg; replaces lysine 1073 with arginine.
Molecular consequence: missense variant.
Genome position (GRCh38, 1-based): chr10:60,106,015, T>C on the plus strand (A>G on the coding strand, the complement: ANK3 is on the minus strand). VCF-style: chr10-60106015-T-C. GRCh37 (hg19) VCF-style: chr10-61865773-T-C.
Other names: c.620A>G, p.Lys207Arg (NM_001149.4); c.3200A>G, p.Lys1067Arg (NM_001204403.2); c.3221A>G, p.Lys1074Arg (NM_001204404.2); c.3218A>G, p.Lys1073Arg (NM_001320874.2); short protein forms K1074R, K207R, K1067R, K1073R.
Identifiers: ClinVar variation 1030747 (VCV001030747.25), dbSNP rs2092116910, ClinGen allele CA376991499.

ClinVar aggregate classification (germline): Uncertain significance. Review status: criteria provided, multiple submitters, no conflicts (2 of 4 stars). 2 submissions from 2 submitters: Uncertain significance (2). Last evaluated 2022-06-01.

Conditions:
Intellectual developmental disorder, autosomal recessive 37. Also called: Intellectual disability-hypotonia-spasticity-sleep disorder syndrome. Identifiers: Orphanet 356996, MedGen C3809672, MONDO:0014210, OMIM 615493.

Allele frequency attached by ClinVar (database versions not stated): gnomAD exomes below 0.00001.
gnomAD v4.1: 3 of 1,612,592 alleles (0.00019%); highest among the groups gnomAD compares: Middle Eastern, 0.033%; no homozygotes.

Submissions (2):

CeGaT Center for Human Genetics Tuebingen
Classification: Uncertain significance. Last evaluated: 2022-06-01. Review status: criteria provided, single submitter. Criteria: CeGaT Center For Human Genetics Tuebingen Variant Classification Criteria Version 2. Collection method: clinical testing. Allele origin: germline. Affected: yes. Observed: 1 variant allele.
Comment: ANK3: PM2

Baylor Genetics
Classification: Uncertain significance for Intellectual developmental disorder, autosomal recessive 37. Last evaluated: 2019-08-08. Review status: criteria provided, single submitter. Criteria: ACMG Guidelines, 2015. Collection method: clinical testing. Allele origin: unknown. Affected: yes.
Comment: This variant was determined to be of uncertain significance according to ACMG Guidelines, 2015 [PMID:25741868].